The following is an entry in ClinVar:

ClinVar aggregate classification (germline): Uncertain significance (1 of 4 stars; one submission).

Conditions:
PLOD2-related disorder. Also called: PLOD2-related condition.

gnomAD v4.1: 9 of 1,586,254 alleles (0.00057%); highest among the groups gnomAD compares: African/African-American, 0.0067%; no homozygotes.

Submission:

PreventionGenetics, part of Exact Sciences
Classification: Uncertain significance for PLOD2-related condition. Last evaluated: 2025-06-17. Review status: criteria provided, single submitter. Criteria: ACMG Guidelines, 2015. Collection method: clinical testing. Allele origin: germline.
Comment: The PLOD2 c.13A>G variant is predicted to result in the amino acid substitution p.Thr5Ala. To our knowledge, this variant has not been reported in the literature. This variant is reported in 0.010% of alleles in individuals of African descent in gnomAD. At this time, the clinical significance of this variant is uncertain due to the absence of conclusive functional and genetic evidence.

NM_182943.3(PLOD2):c.13A>G (p.Thr5Ala)

Gene: PLOD2 (procollagen-lysine,2-oxoglutarate 5-dioxygenase 2; minus strand). Cytogenetic location: 3q24.
Variant type: single nucleotide variant.
Coding change: c.13A>G on transcript NM_182943.3 (MANE Select); coding-DNA position 13, A replaced by G.
Protein change: p.Thr5Ala; replaces threonine 5 with alanine.
Molecular consequence: missense variant.
Genome position (GRCh38, 1-based): chr3:146,160,977, T>C on the plus strand (A>G on the coding strand, the complement: PLOD2 is on the minus strand). VCF-style: chr3-146160977-T-C. GRCh37 (hg19) VCF-style: chr3-145878764-T-C.
Other names: c.13A>G, p.Thr5Ala (NM_000935.3); short protein forms T5A.
Identifiers: ClinVar variation 4985865 (VCV004985865.1).